The following is an entry in ClinVar:

NM_005560.6(LAMA5):c.3565C>G (p.Leu1189Val)

Gene: LAMA5 (laminin subunit alpha 5; minus strand). Cytogenetic location: 20q13.33.
Variant type: single nucleotide variant.
Coding change: c.3565C>G on transcript NM_005560.6 (MANE Select); coding-DNA position 3565, C replaced by G.
Protein change: p.Leu1189Val; replaces leucine 1189 with valine.
Molecular consequence: missense variant.
Genome position (GRCh38, 1-based): chr20:62,331,117, G>C on the plus strand (C>G on the coding strand, the complement: LAMA5 is on the minus strand). VCF-style: chr20-62331117-G-C. GRCh37 (hg19) VCF-style: chr20-60906173-G-C.
Other names: short protein forms L1189V.
Identifiers: ClinVar variation 2897884 (VCV002897884.3), dbSNP rs1203085352, ClinGen allele CA409567704.

ClinVar aggregate classification (germline): Uncertain significance (1 of 4 stars; one submission).

Allele frequency attached by ClinVar (database versions not stated): gnomAD exomes 0.00001; TOPMed 0.00001.
gnomAD v4.1: 8 of 1,588,166 alleles (0.0005%); highest among the groups gnomAD compares: African/African-American, 0.0095%; no homozygotes.

Submission:

Labcorp Genetics (formerly Invitae), Labcorp
Classification: Uncertain significance. Last evaluated: 2025-06-12. Review status: criteria provided, single submitter. Criteria: Invitae Variant Classification Sherloc (09022015). Collection method: clinical testing. Allele origin: germline.
Comment: This sequence change replaces leucine, which is neutral and non-polar, with valine, which is neutral and non-polar, at codon 1189 of the LAMA5 protein (p.Leu1189Val). This variant is present in population databases (no rsID available, gnomAD 0.01%). This variant has not been reported in the literature in individuals affected with LAMA5-related conditions. ClinVar contains an entry for this variant (Variation ID: 2897884). An algorithm developed to predict the effect of missense changes on protein structure and function (PolyPhen-2) suggests that this variant is likely to be disruptive. In summary, the available evidence is currently insufficient to determine the role of this variant in disease. Therefore, it has been classified as a Variant of Uncertain Significance.